The following is an entry in ClinVar:

ClinVar aggregate classification (germline): Uncertain significance (1 of 4 stars; one submission).

gnomAD v4.1: 6 of 1,551,592 alleles (0.00039%); highest among the groups gnomAD compares: South Asian, 0.0036%; no homozygotes.

Submission:

Labcorp Genetics (formerly Invitae), Labcorp
Classification: Uncertain significance. Last evaluated: 2025-02-06. Review status: criteria provided, single submitter. Criteria: Invitae Variant Classification Sherloc (09022015). Collection method: clinical testing. Allele origin: germline.
Comment: This sequence change replaces valine, which is neutral and non-polar, with isoleucine, which is neutral and non-polar, at codon 56 of the DTHD1 protein (p.Val56Ile). This variant is present in population databases (rs201684570, gnomAD 0.009%). This variant has not been reported in the literature in individuals affected with DTHD1-related conditions. An algorithm developed to predict the effect of missense changes on protein structure and function outputs the following: PolyPhen-2: "Benign". The isoleucine amino acid residue is found in multiple mammalian species, which suggests that this missense change does not adversely affect protein function. In summary, the available evidence is currently insufficient to determine the role of this variant in disease. Therefore, it has been classified as a Variant of Uncertain Significance.

NM_001170700.3(DTHD1):c.1036G>A (p.Val346Ile)

Gene: DTHD1 (death domain containing 1; plus strand). Cytogenetic location: 4p14.
Variant type: single nucleotide variant.
Coding change: c.1036G>A on transcript NM_001170700.3 (MANE Select); coding-DNA position 1036, G replaced by A.
Protein change: p.Val346Ile; replaces valine 346 with isoleucine.
Molecular consequence: missense variant. On other transcripts: non-coding transcript variant (2).
Genome position (GRCh38, 1-based): chr4:36,290,521, G>A. VCF-style: chr4-36290521-G-A. GRCh37 (hg19) VCF-style: chr4-36292143-G-A.
Other names: c.166G>A, p.Val56Ile (NM_001136536.5, NM_001378435.1); short protein forms V346I, V56I.
Identifiers: ClinVar variation 4753071 (VCV004753071.1).